The following is an entry in ClinVar:

NM_017636.4(TRPM4):c.2839G>T (p.Ala947Ser)

Gene: TRPM4 (transient receptor potential cation channel subfamily M member 4; plus strand). Cytogenetic location: 19q13.33.
Variant type: single nucleotide variant.
Coding change: c.2839G>T on transcript NM_017636.4 (MANE Select); coding-DNA position 2839, G replaced by T.
Protein change: p.Ala947Ser; replaces alanine 947 with serine.
Molecular consequence: missense variant.
Genome position (GRCh38, 1-based): chr19:49,200,671, G>T. VCF-style: chr19-49200671-G-T. GRCh37 (hg19) VCF-style: chr19-49703928-G-T.
Other names: c.2404G>T, p.Ala802Ser (NM_001195227.2); c.2494G>T, p.Ala832Ser (NM_001321281.2); c.1231G>T, p.Ala411Ser (NM_001321282.2); c.2317G>T, p.Ala773Ser (NM_001321283.2); c.1777G>T, p.Ala593Ser (NM_001321285.2); short protein forms A593S, A832S, A411S, A947S, A773S, A802S.
Identifiers: ClinVar variation 3462137 (VCV003462137.1).

ClinVar aggregate classification (germline): Uncertain significance (1 of 4 stars; one submission).

Conditions:
Cardiovascular phenotype. Identifiers: MedGen CN230736.

gnomAD v4.1: 5 of 1,613,952 alleles (0.00031%); highest among the groups gnomAD compares: Non-Finnish European, 0.00042%; no homozygotes.

Submission:

Ambry Genetics
Classification: Uncertain significance for Cardiovascular phenotype. Last evaluated: 2024-08-11. Review status: criteria provided, single submitter. Criteria: Ambry Variant Classification Scheme 2023. Collection method: clinical testing. Allele origin: germline.
Comment: The p.A947S variant (also known as c.2839G>T), located in coding exon 19 of the TRPM4 gene, results from a G to T substitution at nucleotide position 2839. The alanine at codon 947 is replaced by serine, an amino acid with similar properties. This amino acid position is conserved. In addition, the in silico prediction for this alteration is inconclusive. Based on the available evidence, the clinical significance of this variant remains unclear.